The following is an entry in ClinVar:

ClinVar aggregate classification (germline): Likely benign. Review status: criteria provided, multiple submitters, no conflicts (2 of 4 stars). 4 submissions from 4 submitters: Likely benign (4). Last evaluated 2026-03-02.

Conditions:
P2RX2-related disorder. Also called: P2RX2-related condition.

Allele frequency attached by ClinVar (database versions not stated): ExAC 0.00005; TOPMed 0.00005; gnomAD exomes 0.00006; gnomAD 0.00007.

Submissions (4):

Women's Health and Genetics/Laboratory Corporation of America, LabCorp
Classification: Likely benign. Last evaluated: 2026-03-02. Review status: criteria provided, single submitter. Criteria: LabCorp Variant Classification Summary - May 2015. Collection method: clinical testing. Allele origin: germline.

PreventionGenetics, part of Exact Sciences
Classification: Likely benign for P2RX2-related condition. Last evaluated: 2026-01-24. Review status: criteria provided, single submitter. Criteria: ACMG Guidelines, 2015. Collection method: clinical testing. Allele origin: germline.
Comment: This variant is classified as likely benign based on ACMG/AMP sequence variant interpretation guidelines (Richards et al. 2015 PMID: 25741868, with internal and published modifications).

Labcorp Genetics (formerly Invitae), Labcorp
Classification: Likely benign. Last evaluated: 2024-12-04. Review status: criteria provided, single submitter. Criteria: Invitae Variant Classification Sherloc (09022015). Collection method: clinical testing. Allele origin: germline.

GeneDx
Classification: Likely benign. Last evaluated: 2018-03-21. Review status: criteria provided, single submitter. Criteria: GeneDx Variant Classification (06012015). Collection method: clinical testing. Allele origin: germline. Affected: yes.
Comment: This variant is considered likely benign or benign based on one or more of the following criteria: it is a conservative change, it occurs at a poorly conserved position in the protein, it is predicted to be benign by multiple in silico algorithms, and/or has population frequency not consistent with disease.

NM_170682.4(P2RX2):c.978C>T (p.Asp326=)

Gene: P2RX2 (purinergic receptor P2X 2; plus strand). Cytogenetic location: 12q24.33.
Variant type: single nucleotide variant.
Coding change: c.978C>T on transcript NM_170682.4 (MANE Select); coding-DNA position 978, C replaced by T.
Protein change: p.Asp326=; no amino-acid change (aspartic acid 326 retained).
Molecular consequence: synonymous variant.
Genome position (GRCh38, 1-based): chr12:132,621,327, C>T. VCF-style: chr12-132621327-C-T. GRCh37 (hg19) VCF-style: chr12-133197913-C-T.
Other names: c.876C>T, p.Asp292= (NM_001282164.2); c.978C>T, p.Asp326= (NM_001282165.2, NM_170683.4, NM_174873.3); c.762C>T, p.Asp254= (NM_012226.5); c.906C>T, p.Asp302= (NM_016318.4); c.702C>T, p.Asp234= (NM_174872.3).
Identifiers: ClinVar variation 680394 (VCV000680394.5), dbSNP rs762231212, ClinGen allele CA6891741.